The following is an entry in ClinVar:

ClinVar aggregate classification (germline): Uncertain significance (1 of 4 stars; one submission).

Conditions:
SLC39A5-related disorder. Also called: SLC39A5-related condition.

Submission:

PreventionGenetics, part of Exact Sciences
Classification: Uncertain significance for SLC39A5-related condition. Last evaluated: 2024-11-30. Review status: criteria provided, single submitter. Criteria: ACMG Guidelines, 2015. Collection method: clinical testing. Allele origin: germline.
Comment: The SLC39A5 c.22dupC variant is predicted to result in a frameshift and premature protein termination (p.His8Profs*26). To our knowledge, this variant has not been reported in the literature or in a large population database (gnomAD), indicating this variant is rare. A different nonsense mutation (c.141C>G, p.Tyr47*) has been determined to segregate with nonsyndromic myopia in a multigenerational family (Guo. 2014. PubMed ID: 24891338). Although we suspect that this variant may be pathogenic, at this time, the clinical significance of this variant is uncertain due to the absence of conclusive functional and genetic evidence.

NM_173596.3(SLC39A5):c.22dup (p.His8fs)

Gene: SLC39A5 (solute carrier family 39 member 5; plus strand). Cytogenetic location: 12q13.3.
Variant type: Duplication.
Coding change: c.22dup on transcript NM_173596.3 (MANE Select); coding-DNA position 22, one base duplicated (C; older notation c.22dupC).
Protein change: p.His8fs; shifts the reading frame from histidine 8.
Molecular consequence: frameshift variant.
Genome position (GRCh38, 1-based): chr12:56,231,296, C duplicated. VCF-style (leftmost placement, unchanged base first): chr12-56231295-T-TC. GRCh37 (hg19) VCF-style: chr12-56625079-T-TC.
Other names: c.22dup, p.His8Profs (NM_001135195.2); short protein forms H8fs.
Identifiers: ClinVar variation 4989697 (VCV004989697.1).